The following is an entry in ClinVar:

ClinVar aggregate classification (germline): Likely benign. Review status: criteria provided, multiple submitters, no conflicts (2 of 4 stars). 2 submissions from 2 submitters: Likely benign (2). Last evaluated 2025-11-01.

gnomAD v4.1: 8 of 1,613,746 alleles (0.0005%); highest among the groups gnomAD compares: Non-Finnish European, 0.00068%; no homozygotes.

Submissions (2):

CeGaT Center for Human Genetics Tuebingen
Classification: Likely benign. Last evaluated: 2025-11-01. Review status: criteria provided, single submitter. Criteria: CeGaT Center For Human Genetics Tuebingen Variant Classification Criteria Version 2. Collection method: clinical testing. Allele origin: germline. Affected: yes. Observed: 3 variant alleles.
Comment: ANKRD11: BP4, BP7

Blueprint Genetics
Classification: Likely benign. Last evaluated: 2024-08-05. Review status: criteria provided, single submitter. Criteria: ACMG Guidelines, 2015. Collection method: clinical testing. Allele origin: germline.

NM_013275.6(ANKRD11):c.1434C>T (p.Ser478=)

Gene: ANKRD11 (ankyrin repeat domain 11; minus strand). Cytogenetic location: 16q24.3.
Variant type: single nucleotide variant.
Coding change: c.1434C>T on transcript NM_013275.6 (MANE Select); coding-DNA position 1434, C replaced by T.
Protein change: p.Ser478=; no amino-acid change (serine 478 retained).
Molecular consequence: synonymous variant.
Genome position (GRCh38, 1-based): chr16:89,285,108, G>A on the plus strand (C>T on the coding strand, the complement: ANKRD11 is on the minus strand). VCF-style: chr16-89285108-G-A. GRCh37 (hg19) VCF-style: chr16-89351516-G-A.
Other names: c.1434C>T, p.Ser478= (NM_001256182.2, NM_001256183.2).
Identifiers: ClinVar variation 3771629 (VCV003771629.14).